The following is an entry in ClinVar:

NM_001105206.3(LAMA4):c.5237A>G (p.Asp1746Gly)

Gene: LAMA4 (laminin subunit alpha 4; minus strand). Cytogenetic location: 6q21.
Variant type: single nucleotide variant.
Coding change: c.5237A>G on transcript NM_001105206.3 (MANE Select); coding-DNA position 5237, A replaced by G.
Protein change: p.Asp1746Gly; replaces aspartic acid 1746 with glycine.
Molecular consequence: missense variant.
Genome position (GRCh38, 1-based): chr6:112,114,165, T>C on the plus strand (A>G on the coding strand, the complement: LAMA4 is on the minus strand). VCF-style: chr6-112114165-T-C. GRCh37 (hg19) VCF-style: chr6-112435368-T-C.
Other names: c.5216A>G, p.Asp1739Gly (NM_001105207.3, NM_002290.5); short protein forms D1739G, D1746G.
Identifiers: ClinVar variation 406146 (VCV000406146.8), dbSNP rs1060500982, ClinGen allele CA16612096.
Genomic context (GRCh38, chr6:112,114,165, plus strand): 5'-CTGTGATCAATTGGTTTTGGATTCAGGGGTCCAACCACATGGTTCACTTCAGAGTCCACA[T>C]CCAACTGAACCACATTAGAATCTCTAATAACTGAAATGCAGGGCAAAGACTGGTCATAAG-3'
Protein context (NP_001098676.2, residues 1736-1756): VIRDSNVVQL[Asp1746Gly]VDSEVNHVVG

ClinVar aggregate classification (germline): Uncertain significance (1 of 4 stars; one submission).

Conditions:
Dilated cardiomyopathy 1JJ (CMD1JJ). Identifiers: Orphanet 154, MedGen C3808935, MONDO:0014095, OMIM 615235.

Submission:

Labcorp Genetics (formerly Invitae), Labcorp
Classification: Uncertain significance for Dilated cardiomyopathy 1JJ. Last evaluated: 2023-05-22. Review status: criteria provided, single submitter. Criteria: Invitae Variant Classification Sherloc (09022015). Collection method: clinical testing. Allele origin: germline.
Comment: This variant is not present in population databases (gnomAD no frequency). This sequence change replaces aspartic acid, which is acidic and polar, with glycine, which is neutral and non-polar, at codon 1739 of the LAMA4 protein (p.Asp1739Gly). This variant has not been reported in the literature in individuals affected with LAMA4-related conditions. In summary, the available evidence is currently insufficient to determine the role of this variant in disease. Therefore, it has been classified as a Variant of Uncertain Significance. An algorithm developed to predict the effect of missense changes on protein structure and function (PolyPhen-2) suggests that this variant is likely to be disruptive. ClinVar contains an entry for this variant (Variation ID: 406146).